The following is an entry in ClinVar:

ClinVar aggregate classification (germline): Uncertain significance (1 of 4 stars; one submission).

Allele frequency attached by ClinVar (database versions not stated): TOPMed below 0.00001; gnomAD 0.00001.
gnomAD v4.1: 1 of 1,609,104 alleles (0.000062%); highest among the groups gnomAD compares: Non-Finnish European, 0.000085%; no homozygotes.

Submissions (2):

Women's Health and Genetics/Laboratory Corporation of America, LabCorp
Classification: Uncertain significance. Last evaluated: 2022-02-09. Review status: criteria provided, single submitter. Criteria: LabCorp Variant Classification Summary - May 2015. Collection method: clinical testing. Allele origin: germline.
Comment: Variant summary: WHRN c.2542-1G>A is located in a canonical splice-site at the last intron-exon junction and is predicted to affect mRNA splicing resulting in a significantly altered protein. Several computational tools predict a significant impact on normal splicing: four predict the variant abolishes the 3' acceptor site, and three predict the variant creates a 3' acceptor site two nucleotides downstream from the original site. Though this variant might result in a frame-shift with a premature termination codon, it is not expected to cause nonsense mediated decay (NMD), but is predicted to affect a part of the third PDZ domain (amino acids 816-904; IPR001478). However, these predictions have yet to be confirmed by functional studies. The variant was absent in 236800 control chromosomes (gnomAD). To our knowledge, no occurrence of c.2542-1G>A in individuals affected with Usher Syndrome and no experimental evidence demonstrating its impact on protein function have been reported. A variant, potentially affecting the same splice site (c.2542A>G (p.R848G)), has been reported in a patient affected with non-syndromic deafness (PMID: 23767834), indicating that variants affecting this splice site might have a biological effect. No clinical diagnostic laboratories have submitted clinical-significance assessments for this variant to ClinVar after 2014. Based on the evidence outlined above, the variant was classified as VUS-possibly pathogenic.

Dr. Peter K. Rogan Lab, Western University
No classification provided (evidence only). Condition: Malignant tumor of urinary bladder. Review status: no classification provided. Collection method: in vitro. Allele origin: not applicable. Functional consequence: retained intron. Not counted in ClinVar's aggregate classification.

NM_015404.4(WHRN):c.2542-1G>A

Gene: WHRN (whirlin; minus strand). Cytogenetic location: 9q32.
Variant type: single nucleotide variant.
Coding change: c.2542-1G>A on transcript NM_015404.4 (MANE Select); the canonical splice acceptor site of the intron before coding-DNA position 2542, G replaced by A.
Molecular consequence: splice acceptor variant.
Genome position (GRCh38, 1-based): chr9:114,402,937, C>T on the plus strand (G>A on the coding strand, the complement: WHRN is on the minus strand). VCF-style: chr9-114402937-C-T. GRCh37 (hg19) VCF-style: chr9-117165217-C-T.
Other names: NC_000009.11:g.117165217C>T; c.2539-1G>A (NM_001173425.2); c.1393-1G>A (NM_001083885.3); c.1489-1G>A (NM_001346890.1).
Identifiers: ClinVar variation 1343671 (VCV001343671.2), dbSNP rs1250528376, ClinGen allele CA374619102.